The following is an entry in ClinVar:

NM_015559.3(SETBP1):c.314_315dup (p.Lys106Ter)

Gene: SETBP1 (SET binding protein 1; plus strand). Cytogenetic location: 18q12.3.
Variant type: Duplication.
Coding change: c.314_315dup on transcript NM_015559.3 (MANE Select); coding-DNA positions 314 to 315, 2 bases duplicated (TA; older notation c.314_315dupTA).
Protein change: p.Lys106Ter; replaces lysine 106 with a stop codon.
Molecular consequence: nonsense. On other transcripts: frameshift variant (1).
Genome position (GRCh38, 1-based): chr18:44,701,660-44,701,661, TA duplicated. VCF-style (leftmost placement, unchanged base first): chr18-44701659-C-CTA. GRCh37 (hg19) VCF-style: chr18-42281624-C-CTA.
Other names: c.314_315dup, p.Lys106Ter (NM_001130110.2, NM_001379141.1, NM_001379142.1); c.314_315dup, p.Lys106Terfs (NM_001410862.1); short protein forms K106*.
Identifiers: ClinVar variation 2010940 (VCV002010940.4), dbSNP rs2511333460, ClinGen allele CA2580095694.

ClinVar aggregate classification (germline): Pathogenic (1 of 4 stars; one submission).

Submission:

Labcorp Genetics (formerly Invitae), Labcorp
Classification: Pathogenic. Last evaluated: 2022-06-26. Review status: criteria provided, single submitter. Criteria: Invitae Variant Classification Sherloc (09022015). Collection method: clinical testing. Allele origin: germline.
Comment: This sequence change creates a premature translational stop signal (p.Lys106*) in the SETBP1 gene. It is expected to result in an absent or disrupted protein product. Loss-of-function variants in SETBP1 are known to be pathogenic (PMID: 21037274, 25217958). This variant is not present in population databases (gnomAD no frequency). This variant has not been reported in the literature in individuals affected with SETBP1-related conditions. For these reasons, this variant has been classified as Pathogenic.

Literature cited by the submitters: PubMed 21037274; PubMed 25217958.